The following is an entry in ClinVar:

NM_007194.4(CHEK2):c.354C>G (p.Asp118Glu)

Gene: CHEK2 (checkpoint kinase 2; minus strand). Cytogenetic location: 22q12.1.
Variant type: single nucleotide variant.
Coding change: c.354C>G on transcript NM_007194.4 (MANE Select); coding-DNA position 354, C replaced by G.
Protein change: p.Asp118Glu; replaces aspartic acid 118 with glutamic acid.
Molecular consequence: missense variant.
Genome position (GRCh38, 1-based): chr22:28,725,333, G>C on the plus strand (C>G on the coding strand, the complement: CHEK2 is on the minus strand). VCF-style: chr22-28725333-G-C. GRCh37 (hg19) VCF-style: chr22-29121321-G-C.
Other names: c.483C>G, p.Asp161Glu (NM_001005735.3); c.-424C>G (NM_001257387.3); c.354C>G, p.Asp118Glu (NM_001349956.3, NM_145862.3); short protein forms D118E, D161E.
Identifiers: ClinVar variation 233065 (VCV000233065.20), dbSNP rs757340619, ClinGen allele CA10577647.

ClinVar aggregate classification (germline): Uncertain significance. Review status: criteria provided, multiple submitters, no conflicts (2 of 4 stars). 5 submissions from 5 submitters: Uncertain significance (5). Last evaluated 2026-01-28.

Conditions:
Hereditary cancer-predisposing syndrome. Also called: Neoplastic Syndromes, Hereditary; Tumor predisposition; Hereditary Cancer Syndrome; Hereditary neoplastic syndrome. Identifiers: Orphanet 140162, MedGen C0027672, MeSH D009386, MONDO:0015356.
Familial cancer of breast. Also called: BREAST CANCER, FAMILIAL; hereditary breast carcinoma; Hereditary breast cancer. Identifiers: Orphanet 227535, MedGen C0346153, MONDO:0016419, OMIM 114480. Disease mechanism: loss of function.

gnomAD v4.1: 6 of 1,613,996 alleles (0.00037%); highest among the groups gnomAD compares: African/African-American, 0.0013%; no homozygotes.

Submissions (5):

Labcorp Genetics (formerly Invitae), Labcorp
Classification: Uncertain significance for Familial cancer of breast. Last evaluated: 2026-01-28. Review status: criteria provided, single submitter. Criteria: Invitae Variant Classification Sherloc (09022015). Collection method: clinical testing. Allele origin: germline.
Comment: This sequence change replaces aspartic acid, which is acidic and polar, with glutamic acid, which is acidic and polar, at codon 118 of the CHEK2 protein (p.Asp118Glu). This variant is not present in population databases (gnomAD no frequency). This variant has not been reported in the literature in individuals affected with CHEK2-related conditions. ClinVar contains an entry for this variant (Variation ID: 233065). An algorithm developed to predict the effect of missense changes on protein structure and function (PolyPhen-2) suggests that this variant is likely to be disruptive. In summary, the available evidence is currently insufficient to determine the role of this variant in disease. Therefore, it has been classified as a Variant of Uncertain Significance.

Ambry Genetics
Classification: Uncertain significance for Hereditary cancer-predisposing syndrome. Last evaluated: 2024-09-09. Review status: criteria provided, single submitter. Criteria: Ambry Variant Classification Scheme 2023. Collection method: clinical testing. Allele origin: germline.
Comment: The p.D118E variant (also known as c.354C>G), located in coding exon 2 of the CHEK2 gene, results from a C to G substitution at nucleotide position 354. The aspartic acid at codon 118 is replaced by glutamic acid, an amino acid with highly similar properties. This amino acid position is highly conserved in available vertebrate species. In addition, the in silico prediction for this alteration is inconclusive. Since supporting evidence is limited at this time, the clinical significance of this alteration remains unclear.

Baylor Genetics
Classification: Uncertain significance for Familial cancer of breast. Last evaluated: 2023-12-14. Review status: criteria provided, single submitter. Criteria: ACMG Guidelines, 2015. Collection method: clinical testing. Allele origin: unknown.

Color Diagnostics, LLC DBA Color Health
Classification: Uncertain significance for Hereditary cancer-predisposing syndrome. Last evaluated: 2021-08-30. Review status: criteria provided, single submitter. Criteria: ACMG Guidelines, 2015. Collection method: clinical testing. Allele origin: germline.
Comment: This missense variant replaces aspartic acid with glutamic acid at codon 118 of the CHEK2 protein. Computational prediction is inconclusive regarding the impact of this variant on protein structure and function (internally defined REVEL score threshold 0.5 < inconclusive < 0.7, PMID: 27666373). To our knowledge, functional studies have not been reported for this variant. This variant has not been reported in individuals affected with hereditary cancer in the literature. This variant has not been identified in the general population by the Genome Aggregation Database (gnomAD). The available evidence is insufficient to determine the role of this variant in disease conclusively. Therefore, this variant is classified as a Variant of Uncertain Significance.

GeneDx
Classification: Uncertain significance. Last evaluated: 2019-01-18. Review status: criteria provided, single submitter. Criteria: GeneDx Variant Classification (06012015). Collection method: clinical testing. Allele origin: germline. Affected: yes.
Comment: This variant is denoted CHEK2 c.354C>G at the cDNA level, p.Asp118Glu (D118E) at the protein level, and results in the change of an Aspartic Acid to a Glutamic Acid (GAC>GAG). This variant has not, to our knowledge, been published in the literature as being pathogenic or benign. CHEK2 Asp118Glu was not observed in approximately 6,500 individuals of European and African American ancestry in the NHLBI Exome Sequencing Project, indicating it is not a common benign variant in these populations. Since Aspartic Acid and Glutamic Acid share similar properties, this is considered a conservative amino acid substitution. CHEK2 Asp118Glu occurs at a position that is conserved across species and is located in the forkhead associated (FHA) domain (Desrichard 2011, Roeb 2012). In silico analyses are inconsistent regarding the effect this variant may have on protein structure and function. Based on currently available evidence, it is unclear whether CHEK2 Asp118Glu is pathogenic or benign.

Literature cited by the submitters: PubMed 32546565 (cited by Ambry Genetics).